The following is an entry in ClinVar:

ClinVar aggregate classification (germline): Uncertain significance (1 of 4 stars; one submission).

Conditions:
Inborn genetic diseases. Identifiers: MedGen C0950123, MeSH D030342.

Submission:

Ambry Genetics
Classification: Uncertain significance for Inborn genetic diseases. Last evaluated: 2025-04-01. Review status: criteria provided, single submitter. Criteria: Ambry Variant Classification Scheme 2023. Collection method: clinical testing. Allele origin: germline.
Comment: The p.P927R variant (also known as c.2780C>G), located in coding exon 12 of the BMPR2 gene, results from a C to G substitution at nucleotide position 2780. The proline at codon 927 is replaced by arginine, an amino acid with dissimilar properties. This amino acid position is conserved. In addition, the in silico prediction for this alteration is inconclusive. Based on the available evidence, the clinical significance of this variant remains unclear.

NM_001204.7(BMPR2):c.2780C>G (p.Pro927Arg)

Gene: BMPR2 (bone morphogenetic protein receptor type 2; plus strand). Cytogenetic location: 2q33.2.
Variant type: single nucleotide variant.
Coding change: c.2780C>G on transcript NM_001204.7 (MANE Select); coding-DNA position 2780, C replaced by G.
Protein change: p.Pro927Arg; replaces proline 927 with arginine.
Molecular consequence: missense variant.
Genome position (GRCh38, 1-based): chr2:202,556,445, C>G. VCF-style: chr2-202556445-C-G. GRCh37 (hg19) VCF-style: chr2-203421168-C-G.
Other names: short protein forms P927R.
Identifiers: ClinVar variation 3992089 (VCV003992089.1).